The following is an entry in ClinVar:

NM_005219.5(DIAPH1):c.3809G>T (p.Arg1270Leu)

Gene: DIAPH1 (diaphanous related formin 1; minus strand). Cytogenetic location: 5q31.3.
Variant type: single nucleotide variant.
Coding change: c.3809G>T on transcript NM_005219.5 (MANE Select); coding-DNA position 3809, G replaced by T.
Protein change: p.Arg1270Leu; replaces arginine 1270 with leucine.
Molecular consequence: missense variant. On other transcripts: 3 prime UTR variant (1).
Genome position (GRCh38, 1-based): chr5:141,516,861, C>A on the plus strand (G>T on the coding strand, the complement: DIAPH1 is on the minus strand). VCF-style: chr5-141516861-C-A. GRCh37 (hg19) VCF-style: chr5-140896428-C-A.
Other names: c.3782G>T, p.Arg1261Leu (NM_001079812.3); c.*109G>T (NM_001314007.2); short protein forms R1261L, R1270L.
Identifiers: ClinVar variation 1019918 (VCV001019918.9), dbSNP rs371664456, ClinGen allele CA361571683.

ClinVar aggregate classification (germline): Uncertain significance (1 of 4 stars; one submission).

Conditions:
Progressive microcephaly-seizures-cortical blindness-developmental delay syndrome. Also called: Seizures, cortical blindness, and microcephaly syndrome. Identifiers: Orphanet 477814, MedGen C5567650, MONDO:0014714, OMIM 616632.
Autosomal dominant nonsyndromic hearing loss 1. Also called: DEAFNESS, AUTOSOMAL DOMINANT 1, WITH OR WITHOUT THROMBOCYTOPENIA; KONIGSMARK SYNDROME. Identifiers: Orphanet 90635, MedGen C1852282, MONDO:0007424, OMIM 124900.

Submission:

Labcorp Genetics (formerly Invitae), Labcorp
Classification: Uncertain significance for Progressive microcephaly-seizures-cortical blindness-developmental delay syndrome; Autosomal dominant nonsyndromic hearing loss 1. Last evaluated: 2020-09-24. Review status: criteria provided, single submitter. Criteria: Invitae Variant Classification Sherloc (09022015). Collection method: clinical testing. Allele origin: germline.
Comment: In summary, the available evidence is currently insufficient to determine the role of this variant in disease. Therefore, it has been classified as a Variant of Uncertain Significance. Algorithms developed to predict the effect of missense changes on protein structure and function are either unavailable or do not agree on the potential impact of this missense change (SIFT: "Deleterious"; PolyPhen-2: "Probably Damaging"; Align-GVGD: "Class C0"). This variant has not been reported in the literature in individuals with DIAPH1-related conditions. This variant is not present in population databases (ExAC no frequency). This sequence change replaces arginine with leucine at codon 1270 of the DIAPH1 protein (p.Arg1270Leu). The arginine residue is moderately conserved and there is a moderate physicochemical difference between arginine and leucine.